The following is an entry in ClinVar:

ClinVar aggregate classification (germline): Uncertain significance. Review status: criteria provided, multiple submitters, no conflicts (2 of 4 stars). 3 submissions from 3 submitters: Uncertain significance (3). Last evaluated 2026-04-01.

Conditions:
Familial thoracic aortic aneurysm and aortic dissection (TAAD). Also called: Thoracic aortic aneurysms and dissections. Identifiers: Orphanet 91387, MedGen C4707243, MONDO:0019625.
Rienhoff syndrome. Also called: LOEYS-DIETZ SYNDROME 5. Identifiers: MedGen C3810012, MONDO:0014262, OMIM 615582.

Submissions (3):

Ambry Genetics
Classification: Uncertain significance for Familial thoracic aortic aneurysm and aortic dissection. Last evaluated: 2026-04-01. Review status: criteria provided, single submitter. Criteria: Ambry Variant Classification Scheme 2023. Collection method: clinical testing. Allele origin: germline.
Comment: The c.1124C>T (p.S375L) alteration is located in exon 7 (coding exon 7) of the TGFB3 gene. This alteration results from a C to T substitution at nucleotide position 1124, causing the serine (S) at amino acid position 375 to be replaced by a leucine (L). Based on data from gnomAD, the T allele has an overall frequency of <0.001% (1/250872) total alleles studied. The highest observed frequency was 0.001% (1/113172) of European (non-Finnish) alleles. Based on insufficient or conflicting evidence, the clinical significance of this alteration remains unclear.

Labcorp Genetics (formerly Invitae), Labcorp
Classification: Uncertain significance for Rienhoff syndrome. Last evaluated: 2026-02-02. Review status: criteria provided, single submitter. Criteria: Invitae Variant Classification Sherloc (09022015). Collection method: clinical testing. Allele origin: germline.
Comment: This sequence change replaces serine, which is neutral and polar, with leucine, which is neutral and non-polar, at codon 375 of the TGFB3 protein (p.Ser375Leu). This variant is present in population databases (rs780254258, gnomAD 0.0009%). This variant has not been reported in the literature in individuals affected with TGFB3-related conditions. ClinVar contains an entry for this variant (Variation ID: 836665). Invitae Evidence Modeling of protein sequence and biophysical properties (such as structural, functional, and spatial information, amino acid conservation, physicochemical variation, residue mobility, and thermodynamic stability) indicates that this missense variant is not expected to disrupt TGFB3 protein function with a negative predictive value of 80%. In summary, the available evidence is currently insufficient to determine the role of this variant in disease. Therefore, it has been classified as a Variant of Uncertain Significance.

Blueprint Genetics
Classification: Uncertain significance. Last evaluated: 2022-06-21. Review status: criteria provided, single submitter. Criteria: ACMG Guidelines, 2015. Collection method: clinical testing. Allele origin: germline.

NM_003239.5(TGFB3):c.1124C>T (p.Ser375Leu)

Gene: TGFB3 (transforming growth factor beta 3; minus strand). Cytogenetic location: 14q24.3.
Variant type: single nucleotide variant.
Coding change: c.1124C>T on transcript NM_003239.5 (MANE Select); coding-DNA position 1124, C replaced by T.
Protein change: p.Ser375Leu; replaces serine 375 with leucine.
Molecular consequence: missense variant.
Genome position (GRCh38, 1-based): chr14:75,959,302, G>A on the plus strand (C>T on the coding strand, the complement: TGFB3 is on the minus strand). VCF-style: chr14-75959302-G-A. GRCh37 (hg19) VCF-style: chr14-76425645-G-A.
Other names: c.1124C>T, p.Ser375Leu (NM_001329939.2); short protein forms S375L.
Identifiers: ClinVar variation 836665 (VCV000836665.52), dbSNP rs780254258, ClinGen allele CA263700576.